The following is an entry in ClinVar:

NM_004341.5(CAD):c.2963G>A (p.Arg988Gln)

Gene: CAD (carbamoyl-phosphate synthetase 2, aspartate transcarbamylase, and dihydroorotase; plus strand). Cytogenetic location: 2p23.3.
Variant type: single nucleotide variant.
Coding change: c.2963G>A on transcript NM_004341.5 (MANE Select); coding-DNA position 2963, G replaced by A.
Protein change: p.Arg988Gln; replaces arginine 988 with glutamine.
Molecular consequence: missense variant.
Genome position (GRCh38, 1-based): chr2:27,233,112, G>A. VCF-style: chr2-27233112-G-A. GRCh37 (hg19) VCF-style: chr2-27455980-G-A.
Other names: c.2774G>A, p.Arg925Gln (NM_001306079.2); short protein forms R925Q, R988Q.
Identifiers: ClinVar variation 2037403 (VCV002037403.4), dbSNP rs761369810, ClinGen allele CA1573147.

ClinVar aggregate classification (germline): Uncertain significance (1 of 4 stars; one submission).

Allele frequency attached by ClinVar (database versions not stated): ExAC 0.00001.
gnomAD v4.1: 28 of 1,613,372 alleles (0.0017%); highest among the groups gnomAD compares: South Asian, 0.0033%; no homozygotes.

Submission:

Labcorp Genetics (formerly Invitae), Labcorp
Classification: Uncertain significance. Last evaluated: 2022-06-13. Review status: criteria provided, single submitter. Criteria: Invitae Variant Classification Sherloc (09022015). Collection method: clinical testing. Allele origin: germline.
Comment: This variant has not been reported in the literature in individuals affected with CAD-related conditions. In summary, the available evidence is currently insufficient to determine the role of this variant in disease. Therefore, it has been classified as a Variant of Uncertain Significance. Algorithms developed to predict the effect of missense changes on protein structure and function are either unavailable or do not agree on the potential impact of this missense change (SIFT: "Deleterious"; PolyPhen-2: "Probably Damaging"; Align-GVGD: "Class C0"). This variant is present in population databases (rs761369810, gnomAD 0.006%). This sequence change replaces arginine, which is basic and polar, with glutamine, which is neutral and polar, at codon 988 of the CAD protein (p.Arg988Gln).